The following is an entry in ClinVar:

NM_152564.5(VPS13B):c.7370C>G (p.Ser2457Cys)

Gene: VPS13B (vacuolar protein sorting 13 homolog B; plus strand). Cytogenetic location: 8q22.2.
Variant type: single nucleotide variant.
Coding change: c.7370C>G on transcript NM_152564.5 (MANE Select); coding-DNA position 7370, C replaced by G.
Protein change: p.Ser2457Cys; replaces serine 2457 with cysteine.
Molecular consequence: missense variant.
Genome position (GRCh38, 1-based): chr8:99,776,897, C>G. VCF-style: chr8-99776897-C-G. GRCh37 (hg19) VCF-style: chr8-100789125-C-G.
Other names: c.7445C>G, p.Ser2482Cys (NM_017890.5); short protein forms S2482C, S2457C.
Identifiers: ClinVar variation 1363504 (VCV001363504.3), dbSNP rs773594659, ClinGen allele CA4824199.

ClinVar aggregate classification (germline): Uncertain significance (1 of 4 stars; one submission).

Conditions:
Cohen syndrome (COH1). Also called: PEPPER SYNDROME; Cutis verticis gyrata, retinitis pigmentosa, and sensorineural deafness. Identifiers: Orphanet 193, MedGen C0265223, MONDO:0008999, OMIM 216550.

Allele frequency attached by ClinVar (database versions not stated): gnomAD exomes below 0.00001 and 0.00001; ExAC 0.00001.
gnomAD v4.1: 3 of 1,614,110 alleles (0.00019%); highest among the groups gnomAD compares: South Asian, 0.0011%; no homozygotes.

Submission:

Labcorp Genetics (formerly Invitae), Labcorp
Classification: Uncertain significance for Cohen syndrome. Last evaluated: 2022-07-20. Review status: criteria provided, single submitter. Criteria: Invitae Variant Classification Sherloc (09022015). Collection method: clinical testing. Allele origin: germline.
Comment: This sequence change replaces serine, which is neutral and polar, with cysteine, which is neutral and slightly polar, at codon 2482 of the VPS13B protein (p.Ser2482Cys). This variant is present in population databases (rs773594659, gnomAD 0.0009%). This variant has not been reported in the literature in individuals affected with VPS13B-related conditions. ClinVar contains an entry for this variant (Variation ID: 1363504). Algorithms developed to predict the effect of missense changes on protein structure and function are either unavailable or do not agree on the potential impact of this missense change (SIFT: "Not Available"; PolyPhen-2: "Possibly Damaging"; Align-GVGD: "Not Available"). In summary, the available evidence is currently insufficient to determine the role of this variant in disease. Therefore, it has been classified as a Variant of Uncertain Significance.